The following is an entry in ClinVar:

NM_003072.5(SMARCA4):c.3880G>C (p.Asp1294His)

Gene: SMARCA4 (SWI/SNF related BAF chromatin remodeling complex subunit ATPase 4; plus strand). Cytogenetic location: 19p13.2.
Variant type: single nucleotide variant.
Coding change: c.3880G>C on transcript NM_003072.5 (MANE Select); coding-DNA position 3880, G replaced by C.
Protein change: p.Asp1294His; replaces aspartic acid 1294 with histidine.
Molecular consequence: missense variant. On other transcripts: non-coding transcript variant (1).
Genome position (GRCh38, 1-based): chr19:11,034,129, G>C. VCF-style: chr19-11034129-G-C. GRCh37 (hg19) VCF-style: chr19-11144805-G-C.
Other names: c.3880G>C, p.Asp1294His (NM_001128844.3, NM_001128849.3, NM_001387283.1); c.3781G>C, p.Asp1261His (NM_001128845.2, NM_001128846.2, NM_001128847.4 and 3 more transcripts); short protein forms D1294H, D1261H.
Identifiers: ClinVar variation 3636883 (VCV003636883.2).
Genomic context (GRCh38, chr19:11,034,129, plus strand): 5'-CCGCCGCCCACCCCGGCCCCTCCTCAGCGGCACTGACAGTTTGCAATCTTATAGGAGGAA[G>C]ACGAGGTGCCCGACGACGAGACCGTCAACCAGATGATCGCCCGGCACGAGGAGGAGTTTG-3'
Protein context (NP_003063.2, residues 1284-1304): DLEEPPLKEE[Asp1294His]EVPDDETVNQ

ClinVar aggregate classification (germline): Uncertain significance (1 of 4 stars; one submission).

Conditions:
Rhabdoid tumor predisposition syndrome 2 (RTPS2). Identifiers: Orphanet 231108, Orphanet 69077, MedGen C2750074, MONDO:0013224, OMIM 613325.

Submission:

Labcorp Genetics (formerly Invitae), Labcorp
Classification: Uncertain significance for Rhabdoid tumor predisposition syndrome 2. Last evaluated: 2024-02-22. Review status: criteria provided, single submitter. Criteria: Invitae Variant Classification Sherloc (09022015). Collection method: clinical testing. Allele origin: germline.
Comment: This sequence change replaces aspartic acid, which is acidic and polar, with histidine, which is basic and polar, at codon 1294 of the SMARCA4 protein (p.Asp1294His). This variant is not present in population databases (gnomAD no frequency). This variant has not been reported in the literature in individuals affected with SMARCA4-related conditions. Advanced modeling of protein sequence and biophysical properties (such as structural, functional, and spatial information, amino acid conservation, physicochemical variation, residue mobility, and thermodynamic stability) has been performed at Invitae for this missense variant, however the output from this modeling did not meet the statistical confidence thresholds required to predict the impact of this variant on SMARCA4 protein function. In summary, the available evidence is currently insufficient to determine the role of this variant in disease. Therefore, it has been classified as a Variant of Uncertain Significance.